The following is an entry in ClinVar:

ClinVar aggregate classification (germline): Pathogenic (1 of 4 stars; one submission).

Conditions:
Spastic paraplegia. Identifiers: MedGen C0037772, HP:0001258.

Submission:

Labcorp Genetics (formerly Invitae), Labcorp
Classification: Pathogenic for Spastic paraplegia. Last evaluated: 2022-10-04. Review status: criteria provided, single submitter. Criteria: Invitae Variant Classification Sherloc (09022015). Collection method: clinical testing. Allele origin: germline.
Comment: This sequence change replaces leucine, which is neutral and non-polar, with phenylalanine, which is neutral and non-polar, at codon 308 of the SACS protein (p.Leu308Phe). This variant is not present in population databases (gnomAD no frequency). This missense change has been observed in individuals with hereditary spastic paraplegia (PMID: 17290461, 29277257). It has also been observed to segregate with disease in related individuals. Advanced modeling of protein sequence and biophysical properties (such as structural, functional, and spatial information, amino acid conservation, physicochemical variation, residue mobility, and thermodynamic stability) performed at Invitae indicates that this missense variant is expected to disrupt SACS protein function. For these reasons, this variant has been classified as Pathogenic.

Literature cited by the submitters: PubMed 17290461; PubMed 29277257.

NM_014363.6(SACS):c.922C>T (p.Leu308Phe)

Gene: SACS (sacsin molecular chaperone; minus strand). Cytogenetic location: 13q12.12.
Variant type: single nucleotide variant.
Coding change: c.922C>T on transcript NM_014363.6 (MANE Select); coding-DNA position 922, C replaced by T.
Protein change: p.Leu308Phe; replaces leucine 308 with phenylalanine.
Molecular consequence: missense variant.
Genome position (GRCh38, 1-based): chr13:23,355,690, G>A on the plus strand (C>T on the coding strand, the complement: SACS is on the minus strand). VCF-style: chr13-23355690-G-A. GRCh37 (hg19) VCF-style: chr13-23929829-G-A.
Other names: c.481C>T, p.Leu161Phe (NM_001278055.2); short protein forms L308F, L161F.
Identifiers: ClinVar variation 2137468 (VCV002137468.4), dbSNP rs2542401556, ClinGen allele CA387550845.